The following is an entry in ClinVar:

ClinVar aggregate classification (germline): Uncertain significance (1 of 4 stars; one submission).

Conditions:
Arrhythmogenic right ventricular dysplasia 10. Also called: Arrhythmogenic Right Ventricular Dysplasia/Cardiomyopathy10; ARRHYTHMOGENIC RIGHT VENTRICULAR DYSPLASIA, FAMILIAL, 10; Arrhythmogenic right ventricular dysplasia/cardiomyopathy, type 10. Identifiers: MedGen C1857777, MONDO:0012434, OMIM 610193.

Allele frequency attached by ClinVar (database versions not stated): gnomAD exomes 0.00001.
gnomAD v4.1: 8 of 1,601,636 alleles (0.0005%); highest among the groups gnomAD compares: Non-Finnish European, 0.00068%; no homozygotes.

Submission:

Labcorp Genetics (formerly Invitae), Labcorp
Classification: Uncertain significance for Arrhythmogenic right ventricular dysplasia 10. Last evaluated: 2021-02-02. Review status: criteria provided, single submitter. Criteria: Invitae Variant Classification Sherloc (09022015). Collection method: clinical testing. Allele origin: germline.
Comment: Algorithms developed to predict the effect of missense changes on protein structure and function output the following: SIFT: "Tolerated"; PolyPhen-2: "Benign"; Align-GVGD: "Class C0". The threonine amino acid residue is found in multiple mammalian species, suggesting that this missense change does not adversely affect protein function. These predictions have not been confirmed by published functional studies and their clinical significance is uncertain. This sequence change replaces alanine with threonine at codon 762 of the DSG2 protein (p.Ala762Thr). The alanine residue is weakly conserved and there is a small physicochemical difference between alanine and threonine. This variant is not present in population databases (ExAC no frequency). This variant has not been reported in the literature in individuals with DSG2-related conditions. In summary, the available evidence is currently insufficient to determine the role of this variant in disease. Therefore, it has been classified as a Variant of Uncertain Significance.

NM_001943.5(DSG2):c.2284G>A (p.Ala762Thr)

Genes: DSG2 (desmoglein 2; plus strand), DSG2-AS1 (DSG2 antisense RNA 1; minus strand). Cytogenetic location: 18q12.1.
Variant type: single nucleotide variant.
Coding change: c.2284G>A on transcript NM_001943.5 (MANE Select); coding-DNA position 2284, G replaced by A.
Protein change: p.Ala762Thr; replaces alanine 762 with threonine.
Molecular consequence: missense variant.
Genome position (GRCh38, 1-based): chr18:31,542,802, G>A. VCF-style: chr18-31542802-G-A. GRCh37 (hg19) VCF-style: chr18-29122765-G-A.
Other names: short protein forms A762T.
Identifiers: ClinVar variation 1506798 (VCV001506798.8), dbSNP rs2144353655, ClinGen allele CA402142997.